The following is an entry in ClinVar:

ClinVar aggregate classification (germline): Uncertain significance. Review status: criteria provided, multiple submitters, no conflicts (2 of 4 stars). 2 submissions from 2 submitters: Uncertain significance (2). Last evaluated 2024-10-15.

Conditions:
Inborn genetic diseases. Identifiers: MedGen C0950123, MeSH D030342.
Pityriasis rubra pilaris (PRP). Also called: Pityriasis rubra pilaris--familial type. Identifiers: Orphanet 2897, MedGen C0032027, MONDO:0100017, OMIM 173200, MONDO:0008251.
Psoriasis 2. Identifiers: MedGen C1864497, MONDO:0011269, OMIM 602723.

Allele frequency attached by ClinVar (database versions not stated): TOPMed below 0.00001; ESP Exome Variant Server 0.00008.

Submissions (2):

Labcorp Genetics (formerly Invitae), Labcorp
Classification: Uncertain significance for Pityriasis rubra pilaris; Psoriasis 2. Last evaluated: 2024-10-15. Review status: criteria provided, single submitter. Criteria: Invitae Variant Classification Sherloc (09022015). Collection method: clinical testing. Allele origin: germline.
Comment: This sequence change replaces cysteine, which is neutral and slightly polar, with tyrosine, which is neutral and polar, at codon 355 of the CARD14 protein (p.Cys355Tyr). This variant is not present in population databases (gnomAD no frequency). This variant has not been reported in the literature in individuals affected with CARD14-related conditions. ClinVar contains an entry for this variant (Variation ID: 2310803). Invitae Evidence Modeling of protein sequence and biophysical properties (such as structural, functional, and spatial information, amino acid conservation, physicochemical variation, residue mobility, and thermodynamic stability) indicates that this missense variant is not expected to disrupt CARD14 protein function with a negative predictive value of 95%. In summary, the available evidence is currently insufficient to determine the role of this variant in disease. Therefore, it has been classified as a Variant of Uncertain Significance.

Ambry Genetics
Classification: Uncertain significance for Inborn genetic diseases. Last evaluated: 2022-09-06. Review status: criteria provided, single submitter. Criteria: Ambry Variant Classification Scheme 2023. Collection method: clinical testing. Allele origin: germline.

NM_001366385.1(CARD14):c.1064G>A (p.Cys355Tyr)

Gene: CARD14 (caspase recruitment domain family member 14; plus strand). Cytogenetic location: 17q25.3.
Variant type: single nucleotide variant.
Coding change: c.1064G>A on transcript NM_001366385.1 (MANE Select); coding-DNA position 1064, G replaced by A.
Protein change: p.Cys355Tyr; replaces cysteine 355 with tyrosine.
Molecular consequence: missense variant. On other transcripts: non-coding transcript variant (1).
Genome position (GRCh38, 1-based): chr17:80,190,874, G>A. VCF-style: chr17-80190874-G-A. GRCh37 (hg19) VCF-style: chr17-78164673-G-A.
Other names: c.1064G>A, p.Cys355Tyr (NM_001257970.1, NM_024110.4); c.353G>A, p.Cys118Tyr (NM_052819.3); short protein forms C118Y, C355Y.
Identifiers: ClinVar variation 2310803 (VCV002310803.5), dbSNP rs367635878, ClinGen allele CA294865354.
Genomic context (GRCh38, chr17:80,190,874, plus strand): 5'-AGAGTAAGATGGCCTGCCAACTCTACAGGGAGAAGGTGAATGCGCTGCAGGCCCAGGTGT[G>A]CGAGCTGCAGAAGGAGCGAGACCAGGTACCTGAGAGGCCGGGCCCACCCCGCCACCCCAT-3'
Protein context (NP_001353314.1, residues 345-365): EKVNALQAQV[Cys355Tyr]ELQKERDQAY